The following is an entry in ClinVar:

ClinVar aggregate classification (germline): Likely benign. Review status: criteria provided, multiple submitters, no conflicts (2 of 4 stars). 3 submissions from 3 submitters: Likely benign (3). Last evaluated 2025-02-10.

Conditions:
RASopathy. Also called: rasopathies; Noonan spectrum disorder. Identifiers: Orphanet 536391, MedGen C5555857, MONDO:0021060.

Allele frequency attached by ClinVar (database versions not stated): gnomAD exomes below 0.00001; TOPMed below 0.00001.
gnomAD v4.1: 1 of 1,614,130 alleles (0.000062%); highest among the groups gnomAD compares: Non-Finnish European, 0.000085%; no homozygotes.

Submissions (3):

Labcorp Genetics (formerly Invitae), Labcorp
Classification: Likely benign for RASopathy. Last evaluated: 2025-02-10. Review status: criteria provided, single submitter. Criteria: Invitae Variant Classification Sherloc (09022015). Collection method: clinical testing. Allele origin: germline.

Blueprint Genetics
Classification: Likely benign. Last evaluated: 2024-05-14. Review status: criteria provided, single submitter. Criteria: ACMG Guidelines, 2015. Collection method: clinical testing. Allele origin: germline.

Laboratory for Molecular Medicine, Mass General Brigham Personalized Medicine
Classification: Likely benign. Last evaluated: 2015-04-29. Review status: criteria provided, single submitter. Criteria: LMM Criteria. Collection method: clinical testing. Allele origin: germline. Observed: 1 variant allele.
Comment: c.292-4C>G of MAP2K1: This variant is not expected to have clinical significance because it is not located within the splice consensus sequence. It has been ide ntified in 1/66714 of European chromosomes by the Exome Aggregation Consortium ( ExAC).

NM_002755.4(MAP2K1):c.292-4C>G

Gene: MAP2K1 (mitogen-activated protein kinase kinase 1; plus strand). Cytogenetic location: 15q22.31.
Variant type: single nucleotide variant.
Coding change: c.292-4C>G on transcript NM_002755.4 (MANE Select); 4 bases into the intron before coding-DNA position 292, C replaced by G.
Molecular consequence: intron variant.
Genome position (GRCh38, 1-based): chr15:66,436,742, C>G. VCF-style: chr15-66436742-C-G. GRCh37 (hg19) VCF-style: chr15-66729080-C-G.
Identifiers: ClinVar variation 227536 (VCV000227536.7), dbSNP rs771407622, ClinGen allele CA7623909.